The following is an entry in ClinVar:

NM_033380.3(COL4A5):c.3072del (p.Gly1027fs)

Gene: COL4A5 (collagen type IV alpha 5 chain; plus strand). Cytogenetic location: Xq22.3.
Variant type: Deletion.
Coding change: c.3072del on transcript NM_033380.3 (MANE Select); coding-DNA position 3072, one base deleted (A; older notation c.3072delA).
Protein change: p.Gly1027fs; shifts the reading frame from glycine 1027.
Molecular consequence: frameshift variant.
Genome position (GRCh38, 1-based): chrX:108,625,760, A deleted. VCF-style (leftmost placement, unchanged base first): chrX-108625759-GA-G. GRCh37 (hg19) VCF-style: chrX-107868989-GA-G.
Other names: c.3072del, p.Gly1027fs (NM_000495.5); short protein forms G1027fs.
Identifiers: ClinVar variation 1074890 (VCV001074890.7), dbSNP rs2147872245, ClinGen allele CA2499226322.
Genomic context (GRCh38, chrX:108,625,759, plus strand): 5'-TTCTAGGTCCCAAAGGTAACCCTGGTCTCCCTGGACAGCCAGGTCTTATAGGACCTCCTG[GA>G]CTTAAAGGAACCATCGGTGATATGGGTTTTCCAGGTGAGTGATGAAAATCTTCCAAATAT-3'

ClinVar aggregate classification (germline): Pathogenic (1 of 4 stars; one submission).

Submission:

Labcorp Genetics (formerly Invitae), Labcorp
Classification: Pathogenic. Last evaluated: 2024-09-23. Review status: criteria provided, single submitter. Criteria: Invitae Variant Classification Sherloc (09022015). Collection method: clinical testing. Allele origin: germline.
Comment: This sequence change creates a premature translational stop signal (p.Gly1027Glufs*125) in the COL4A5 gene. It is expected to result in an absent or disrupted protein product. Loss-of-function variants in COL4A5 are known to be pathogenic (PMID: 9195222, 10752524, 14514738, 24854265, 26809805). This variant is not present in population databases (gnomAD no frequency). This variant has not been reported in the literature in individuals affected with COL4A5-related conditions. ClinVar contains an entry for this variant (Variation ID: 1074890). For these reasons, this variant has been classified as Pathogenic.

Literature cited by the submitters: PubMed 9195222; PubMed 10752524; PubMed 14514738; PubMed 24854265; PubMed 26809805.